The following is an entry in ClinVar:

ClinVar aggregate classification (germline): Pathogenic (1 of 4 stars; one submission).

Conditions:
Hermansky-Pudlak syndrome 1 (HPS1). Also called: DELTA STORAGE POOL DISEASE. Identifiers: Orphanet 231500, Orphanet 79430, MedGen C2931875, MONDO:0008748, OMIM 203300.

Submission:

Myriad Genetics, Inc.
Classification: Pathogenic for Hermansky-Pudlak syndrome 1. Last evaluated: 2024-11-22. Review status: criteria provided, single submitter. Criteria: Myriad Autosomal Dominant, Autosomal Recessive and X-Linked Classification Criteria (2023). Collection method: clinical testing. Allele origin: unknown.
Comment: NM_000195.3(HPS1):c.577C>T(Q193*) is expected to be pathogenic in the context of Hermansky-Pudlak syndrome, HPS1-related. This variant is predicted to lead to an abnormal or absent protein product due to the creation of a premature termination codon in HPS1, a gene where loss-of-function variants are known to be pathogenic. Please note: this variant was assessed in the context of healthy population screening.

NM_000195.5(HPS1):c.577C>T (p.Gln193Ter)

Gene: HPS1 (HPS1 biogenesis of lysosomal organelles complex 3 subunit 1; minus strand). Cytogenetic location: 10q24.2.
Variant type: single nucleotide variant.
Coding change: c.577C>T on transcript NM_000195.5 (MANE Select); coding-DNA position 577, C replaced by T.
Protein change: p.Gln193Ter; replaces glutamine 193 with a stop codon.
Molecular consequence: nonsense. On other transcripts: 5 prime UTR variant (3), intron variant (5).
Genome position (GRCh38, 1-based): chr10:98,431,222, G>A on the plus strand (C>T on the coding strand, the complement: HPS1 is on the minus strand). VCF-style: chr10-98431222-G-A. GRCh37 (hg19) VCF-style: chr10-100190979-G-A.
Other names: c.-297C>T (NM_001311345.2, NM_001322489.2); c.577C>T, p.Gln193Ter (NM_001322476.2, NM_001322477.2, NM_001322478.2 and 3 more transcripts); c.208C>T, p.Gln70Ter (NM_001322483.2, NM_001322484.2, NM_001322485.2); c.-396C>T (NM_001322487.2); c.408-552C>T (NM_001322480.2, NM_001322482.2, NM_001322481.2); c.551-552C>T (NM_001322492.2, NM_001322490.2); short protein forms Q193*, Q70*.
Identifiers: ClinVar variation 5013784 (VCV005013784.1).